The following is an entry in ClinVar:

NM_001387430.1(SH2B1):c.872G>A (p.Arg291His)

Gene: SH2B1 (SH2B adaptor protein 1; plus strand). Cytogenetic location: 16p11.2.
Variant type: single nucleotide variant.
Coding change: c.872G>A on transcript NM_001387430.1 (MANE Select); coding-DNA position 872, G replaced by A.
Protein change: p.Arg291His; replaces arginine 291 with histidine.
Molecular consequence: missense variant. On other transcripts: intron variant (1).
Genome position (GRCh38, 1-based): chr16:28,866,966, G>A. VCF-style: chr16-28866966-G-A. GRCh37 (hg19) VCF-style: chr16-28878287-G-A.
Other names: c.872G>A, p.Arg291His (NM_001145795.2, NM_001145796.2, NM_001145797.2 and 4 more transcripts); c.-26-408G>A (NM_001308294.2); short protein forms R291H.
Identifiers: ClinVar variation 3063849 (VCV003063849.1), dbSNP rs765409318, ClinGen allele CA7986018.

ClinVar aggregate classification (germline): Uncertain significance (1 of 4 stars; one submission).

Allele frequency attached by ClinVar (database versions not stated): ExAC 0.00003.
gnomAD v4.1: 5 of 1,607,000 alleles (0.00031%); highest among the groups gnomAD compares: East Asian, 0.0045%; no homozygotes.

Submission:

Women's Health and Genetics/Laboratory Corporation of America, LabCorp
Classification: Uncertain significance. Last evaluated: 2024-01-11. Review status: criteria provided, single submitter. Criteria: LabCorp Variant Classification Summary - May 2015. Collection method: clinical testing. Allele origin: germline.
Comment: Variant summary: SH2B1 c.872G>A (p.Arg291His) results in a non-conservative amino acid change located in the Pleckstrin homology domain (IPR001849) of the encoded protein sequence. Four of five in-silico tools predict a damaging effect of the variant on protein function. The variant allele was found at a frequency of 1.2e-05 in 240058 control chromosomes. The available data on variant occurrences in the general population are insufficient to allow any conclusion about variant significance. To our knowledge, no occurrence of c.872G>A in individuals affected with SH2B1-Related Disorders and no experimental evidence demonstrating its impact on protein function have been reported. No submitters have cited clinical-significance assessments for this variant to ClinVar. Based on the evidence outlined above, the variant was classified as uncertain significance.